The following is an entry in ClinVar:

NM_000257.4(MYH7):c.4308TGC[5] (p.Ala1441dup)

Genes: MHRT (myosin heavy chain associated RNA transcript; plus strand), MYH7 (myosin heavy chain 7; minus strand). Cytogenetic location: 14q11.2.
Variant type: Microsatellite.
Coding change: c.4308TGC[5] on transcript NM_000257.4 (MANE Select); five copies in a row of the 3-base unit TGC starting at c.4308; the reference has four copies in a row; one copy, 3 bases duplicated.
Protein change: p.Ala1441dup; duplicates alanine 1441.
Molecular consequence: inframe insertion. On other transcripts: non-coding transcript variant (1).
Genome position (GRCh38, 1-based): chr14:23,417,537-23,417,539, GCA duplicated on the plus strand (TGC on the coding strand, the reverse complement: MYH7 is on the minus strand); duplicating any 3 consecutive bases within chr14:23,417,537-23,417,548 gives the same sequence; the position shown is the placement nearest the transcript's 3' end. VCF-style (leftmost placement, unchanged base first): chr14-23417536-T-TGCA. GRCh37 (hg19) VCF-style: chr14-23886745-T-TGCA.
Identifiers: ClinVar variation 860786 (VCV000860786.11), dbSNP rs1892272029, ClinGen allele CA916081707.

ClinVar aggregate classification (germline): Uncertain significance. Review status: criteria provided, multiple submitters, no conflicts (2 of 4 stars). 2 submissions from 2 submitters: Uncertain significance (2). Last evaluated 2024-07-29.

Conditions:
Hypertrophic cardiomyopathy. Also called: HYPERTROPHIC MYOCARDIOPATHY. Identifiers: Orphanet 217569, MedGen C0007194, MeSH D002312, MONDO:0005045, HP:0001639.

Submissions (2):

Blueprint Genetics
Classification: Uncertain significance. Last evaluated: 2024-07-29. Review status: criteria provided, single submitter. Criteria: ACMG Guidelines, 2015. Collection method: clinical testing. Allele origin: germline.

Labcorp Genetics (formerly Invitae), Labcorp
Classification: Uncertain significance for Hypertrophic cardiomyopathy. Last evaluated: 2020-02-04. Review status: criteria provided, single submitter. Criteria: Invitae Variant Classification Sherloc (09022015). Collection method: clinical testing. Allele origin: germline.
Comment: This variant, c.4317_4319dup, results in the insertion of 1 amino acid(s) to the MYH7 protein (p.Ala1441dup), but otherwise preserves the integrity of the reading frame. This variant is not present in population databases (ExAC no frequency). This variant has not been reported in the literature in individuals with MYH7-related conditions. Experimental studies and prediction algorithms are not available or were not evaluated, and the functional significance of this variant is currently unknown. In summary, the available evidence is currently insufficient to determine the role of this variant in disease. Therefore, it has been classified as a Variant of Uncertain Significance.